The following is an entry in ClinVar:

NM_002528.7(NTHL1):c.115+1G>T

Gene: NTHL1 (nth like DNA glycosylase 1; minus strand). Cytogenetic location: 16p13.3.
Variant type: single nucleotide variant.
Coding change: c.115+1G>T on transcript NM_002528.7 (MANE Select); the canonical splice donor site of the intron after coding-DNA position 115, G replaced by T.
Molecular consequence: splice donor variant.
Genome position (GRCh38, 1-based): chr16:2,047,708, C>A on the plus strand (G>T on the coding strand, the complement: NTHL1 is on the minus strand). VCF-style: chr16-2047708-C-A. GRCh37 (hg19) VCF-style: chr16-2097709-C-A.
Other names: c.-64+1G>T (NM_001318194.2); c.115+1G>T (NM_001318193.2).
Identifiers: ClinVar variation 3881346 (VCV003881346.2).
Genomic context (GRCh38, chr16:2,047,708, plus strand): 5'-GACTCCAGCCTGCAGCCCCTATCCCGCCTCCTCCCACGCTCCAGCCACGGCGCGGCGCTA[C>A]CTGCTGCAGCCTCTCTTCTCCGGAGAGGCCCGGGCTCCTCCCTACACCCCCGCGGCCCAG-3'

ClinVar aggregate classification (germline): Likely pathogenic. Review status: criteria provided, multiple submitters, no conflicts (2 of 4 stars). 2 submissions from 2 submitters: Likely pathogenic (2). Last evaluated 2026-09-01.

Conditions:
Hereditary cancer-predisposing syndrome. Also called: Neoplastic Syndromes, Hereditary; Tumor predisposition; Hereditary neoplastic syndrome; Hereditary Cancer Syndrome. Identifiers: Orphanet 140162, MedGen C0027672, MeSH D009386, MONDO:0015356.
Familial adenomatous polyposis 3. Also called: NTHL1-Related Adenomatous Polyposis and Colorectal Cancer; NTHL1 Tumor Syndrome; NTHL1-related attenuated familial adenomatous polyposis; NTHL1-associated polyposis. Identifiers: Orphanet 220460, Orphanet 454840, MedGen C4225157, MONDO:0014630, OMIM 616415.

Submissions (2):

Myriad Genetics, Inc.
Classification: Likely pathogenic for Familial adenomatous polyposis 3. Last evaluated: 2026-09-01. Review status: criteria provided, single submitter. Criteria: Myriad Autosomal Dominant, Autosomal Recessive and X-Linked Classification Criteria (2023). Collection method: clinical testing. Allele origin: unknown.
Comment: This variant is considered likely pathogenic. This variant occurs within a consensus splice junction and is predicted to result in abnormal mRNA splicing of either an out-of-frame exon or an in-frame exon necessary for protein stability and/or normal function.

Ambry Genetics
Classification: Likely pathogenic for Hereditary cancer-predisposing syndrome. Last evaluated: 2024-12-30. Review status: criteria provided, single submitter. Criteria: Ambry Variant Classification Scheme 2023. Collection method: clinical testing. Allele origin: germline.
Comment: The c.139+1G>T intronic variant results from a G to T substitution one nucleotide after coding exon 1 of the NTHL1 gene. This variant is considered to be rare based on population cohorts in the Genome Aggregation Database (gnomAD). This nucleotide position is highly conserved in available vertebrate species. In silico splice site analysis predicts that this alteration will weaken the native splice donor site and may result in the creation or strengthening of a novel splice donor site. Alterations that disrupt the canonical splice site are expected to cause aberrant splicing, resulting in an abnormal protein or a transcript that is subject to nonsense-mediated mRNA decay. As such, this alteration is classified as likely pathogenic.